The following is an entry in ClinVar:

ClinVar aggregate classification (germline): Pathogenic (1 of 4 stars; one submission).

Conditions:
Familial cancer of breast. Also called: Hereditary breast cancer; BREAST CANCER, FAMILIAL; hereditary breast carcinoma. Identifiers: Orphanet 227535, MedGen C0346153, MONDO:0016419, OMIM 114480. Disease mechanism: loss of function.

Submission:

Myriad Genetics, Inc.
Classification: Pathogenic for Familial cancer of breast. Last evaluated: 2023-09-15. Review status: criteria provided, single submitter. Criteria: Myriad Autosomal Dominant, Autosomal Recessive and X-Linked Classification Criteria (2023). Collection method: clinical testing. Allele origin: unknown.
Comment: This variant is considered pathogenic. This variant creates a frameshift predicted to result in premature protein truncation.

NM_024675.4(PALB2):c.3452_3454delinsCT (p.Leu1151fs)

Gene: PALB2 (partner and localizer of BRCA2; minus strand). Cytogenetic location: 16p12.2.
Variant type: Indel.
Coding change: c.3452_3454delinsCT on transcript NM_024675.4 (MANE Select); coding-DNA positions 3452 to 3454, TCC replaced by CT.
Protein change: p.Leu1151fs; shifts the reading frame from leucine 1151.
Molecular consequence: frameshift variant. On other transcripts: 3 prime UTR variant (5).
Genome position (GRCh38, 1-based): chr16:23,603,566-23,603,568, GGA replaced by AG on the plus strand (TCC replaced by CT on the coding strand, the reverse complement: PALB2 is on the minus strand). VCF-style: chr16-23603566-GGA-AG. GRCh37 (hg19) VCF-style: chr16-23614887-GGA-AG.
Other names: c.3392_3394delinsCT, p.Leu1131fs (NM_001407296.1); c.3380_3382delinsCT, p.Leu1127fs (NM_001407297.1); c.3290_3292delinsCT, p.Leu1097fs (NM_001407298.1); c.3215_3217delinsCT, p.Leu1072fs (NM_001407299.1); c.3173_3175delinsCT, p.Leu1058fs (NM_001407300.1); c.*87_*89delinsCT (NM_001407301.1, NM_001407302.1, NM_001407310.1 and 2 more transcripts); c.2567_2569delinsCT, p.Leu856fs (NM_001407304.1, NM_001407305.1, NM_001407306.1); c.2405_2407delinsCT, p.Leu802fs (NM_001407307.1); and 3 more; short protein forms L1058fs, L1072fs, L1097fs, L1127fs, L1131fs, L1151fs, L329fs, L555fs.
Identifiers: ClinVar variation 2674175 (VCV002674175.1), dbSNP rs2506196528, ClinGen allele CA2695197574.